The following is an entry in ClinVar:

ClinVar aggregate classification (germline): Benign/Likely benign. Review status: criteria provided, multiple submitters, no conflicts (2 of 4 stars). 14 submissions from 14 submitters: Benign (5); Likely benign (5). 4 of the submissions do not count toward it. Last evaluated 2026-08-01.

Conditions:
Inborn genetic diseases. Identifiers: MedGen C0950123, MeSH D030342.
Intellectual developmental disorder, X-linked, syndromic, Siderius type. Also called: Syndromic X-linked intellectual disability Siderius type. Identifiers: Orphanet 85287, MedGen C1846055, MONDO:0010286, OMIM 300263.
Intellectual disability. Also called: Intellectual functioning disability; intellectual disabilities; Intellectual developmental disorder. Identifiers: MedGen C3714756, MeSH D008607, MONDO:0001071, HP:0001249.

Allele frequency attached by ClinVar (database versions not stated): 1000 Genomes Project 0.00106; 1000 Genomes Project 30x 0.00125; gnomAD 0.00228 and 0.00233; ExAC 0.00237; TOPMed 0.00253; ESP Exome Variant Server 0.00265.
gnomAD v4.1: 4,019 of 1,206,215 alleles (0.33%); highest among the groups gnomAD compares: Non-Finnish European, 0.42%; 10 homozygotes.

Submissions (14):

CeGaT Center for Human Genetics Tuebingen
Classification: Benign. Last evaluated: 2026-08-01. Review status: criteria provided, single submitter. Criteria: CeGaT Center For Human Genetics Tuebingen Variant Classification Criteria Version 2. Collection method: clinical testing. Allele origin: germline. Affected: yes. Observed: 14 variant alleles.
Comment: PHF8: PP2, BP4, BS1, BS2

Labcorp Genetics (formerly Invitae), Labcorp
Classification: Likely benign. Last evaluated: 2026-01-25. Review status: criteria provided, single submitter. Criteria: Invitae Variant Classification Sherloc (09022015). Collection method: clinical testing. Allele origin: germline.

Blueprint Genetics
Classification: Likely benign. Last evaluated: 2024-11-28. Review status: criteria provided, single submitter. Criteria: ACMG Guidelines, 2015. Collection method: clinical testing. Allele origin: germline.

Mendelics
Classification: Likely benign for Intellectual developmental disorder, X-linked, syndromic, Siderius type. Last evaluated: 2019-05-28. Review status: criteria provided, single submitter. Criteria: Mendelics Assertion Criteria 2017. Collection method: clinical testing. Allele origin: unknown.

Cambridge Genomics Laboratory, East Genomic Laboratory Hub, NHS Genomic Medicine Service
Classification: Benign for Intellectual disability. Last evaluated: 2019-04-17. Review status: criteria provided, single submitter. Criteria: ACGS Best Practice Guidelines for Variant Classification in Rare Disease 2020. Collection method: clinical testing. Allele origin: germline. Affected: yes. Observed: 1 variant allele.

Ambry Genetics
Classification: Benign for Inborn genetic diseases. Last evaluated: 2018-02-01. Review status: criteria provided, single submitter. Criteria: Ambry Variant Classification Scheme 2023. Collection method: clinical testing. Allele origin: germline.

Center for Pediatric Genomic Medicine, Children's Mercy Hospital and Clinics
Classification: Likely benign. Last evaluated: 2017-08-01. Review status: criteria provided, single submitter. Criteria: ACMG Guidelines, 2015. Collection method: clinical testing. Allele origin: germline.

Genetic Services Laboratory, University of Chicago
Classification: Benign. Last evaluated: 2016-06-21. Review status: criteria provided, single submitter. Criteria: ACMG Guidelines, 2015. Collection method: clinical testing. Allele origin: germline. Affected: no.

GeneDx
Classification: Benign. Last evaluated: 2015-03-03. Review status: criteria provided, single submitter. Criteria: GeneDx Variant Classification Process June 2021. Collection method: clinical testing. Allele origin: germline. Affected: yes.
Comment: This variant is associated with the following publications: (PMID: 31691806)

Breakthrough Genomics
Classification: Likely benign. Review status: criteria provided, single submitter. Criteria: ACMG Guidelines, 2015. Collection method: not provided. Allele origin: germline. Inheritance: X-linked inheritance. Affected: yes.

Centre de Biologie Pathologie Génétique, Centre Hospitalier Universitaire de Lille
Classification: Uncertain significance for Intellectual disability. Last evaluated: 2019-01-01. Review status: no assertion criteria provided. Collection method: clinical testing. Allele origin: unknown. Affected: yes. Not counted in ClinVar's aggregate classification.

Clinical Genetics DNA and cytogenetics Diagnostics Lab, Erasmus MC, Erasmus Medical Center
Classification: Likely benign. Review status: no assertion criteria provided. Collection method: clinical testing. Allele origin: germline. Affected: yes. Study: VKGL Data-share Consensus. Not counted in ClinVar's aggregate classification.

Diagnostic Laboratory, Department of Genetics, University Medical Center Groningen
Classification: Benign. Review status: no assertion criteria provided. Collection method: clinical testing. Allele origin: germline. Affected: yes. Study: VKGL Data-share Consensus. Not counted in ClinVar's aggregate classification.

Laboratory of Diagnostic Genome Analysis, Leiden University Medical Center (LUMC)
Classification: Likely benign. Review status: no assertion criteria provided. Collection method: clinical testing. Allele origin: germline. Affected: yes. Study: VKGL Data-share Consensus. Not counted in ClinVar's aggregate classification.

NM_015107.3(PHF8):c.2720G>A (p.Arg907His)

Gene: PHF8 (PHD finger protein 8; minus strand). Cytogenetic location: Xp11.22.
Variant type: single nucleotide variant.
Coding change: c.2720G>A on transcript NM_015107.3 (MANE Select); coding-DNA position 2720, G replaced by A.
Protein change: p.Arg907His; replaces arginine 907 with histidine.
Molecular consequence: missense variant.
Genome position (GRCh38, 1-based): chrX:53,940,446, C>T on the plus strand (G>A on the coding strand, the complement: PHF8 is on the minus strand). VCF-style: chrX-53940446-C-T. GRCh37 (hg19) VCF-style: chrX-53966879-C-T.
Other names: c.2828G>A, p.Arg943His (NM_001184896.1); c.2417G>A, p.Arg806His (NM_001184897.2); short protein forms R907H, R806H, R943H.
Identifiers: ClinVar variation 211903 (VCV000211903.51), dbSNP rs142630105, ClinGen allele CA206926.